The following is an entry in ClinVar:

NM_206933.4(USH2A):c.15050T>C (p.Leu5017Pro)

Gene: USH2A (usherin; minus strand). Cytogenetic location: 1q41.
Variant type: single nucleotide variant.
Coding change: c.15050T>C on transcript NM_206933.4 (MANE Select); coding-DNA position 15050, T replaced by C.
Protein change: p.Leu5017Pro; replaces leucine 5017 with proline.
Molecular consequence: missense variant.
Genome position (GRCh38, 1-based): chr1:215,639,157, A>G on the plus strand (T>C on the coding strand, the complement: USH2A is on the minus strand). VCF-style: chr1-215639157-A-G. GRCh37 (hg19) VCF-style: chr1-215812499-A-G.
Other names: short protein forms L5017P.
Identifiers: ClinVar variation 1442845 (VCV001442845.6), dbSNP rs2102634590, ClinGen allele CA344826241.

ClinVar aggregate classification (germline): Uncertain significance (1 of 4 stars; one submission).

gnomAD v4.1: 1 of 1,614,112 alleles (0.000062%); highest among the groups gnomAD compares: Non-Finnish European, 0.000085%; no homozygotes.

Submission:

Labcorp Genetics (formerly Invitae), Labcorp
Classification: Uncertain significance. Last evaluated: 2021-08-08. Review status: criteria provided, single submitter. Criteria: Invitae Variant Classification Sherloc (09022015). Collection method: clinical testing. Allele origin: germline.
Comment: In summary, the available evidence is currently insufficient to determine the role of this variant in disease. Therefore, it has been classified as a Variant of Uncertain Significance. Algorithms developed to predict the effect of missense changes on protein structure and function (SIFT, PolyPhen-2, Align-GVGD) all suggest that this variant is likely to be tolerated. This variant has not been reported in the literature in individuals affected with USH2A-related conditions. This variant is not present in population databases (ExAC no frequency). This sequence change replaces leucine with proline at codon 5017 of the USH2A protein (p.Leu5017Pro). The leucine residue is weakly conserved and there is a moderate physicochemical difference between leucine and proline.